The following is an entry in ClinVar:

ClinVar aggregate classification (germline): Uncertain significance (1 of 4 stars; one submission).

Submission:

GeneDx
Classification: Uncertain significance. Last evaluated: 2025-08-14. Review status: criteria provided, single submitter. Criteria: GeneDx Variant Classification Process June 2021. Collection method: clinical testing. Allele origin: germline. Affected: yes.
Comment: Not observed at significant frequency in large population cohorts (gnomAD); In silico analysis supports that this missense variant has a deleterious effect on protein structure/function; Has not been previously published as pathogenic or benign to our knowledge

NM_000937.5(POLR2A):c.5590A>G (p.Ser1864Gly)

Gene: POLR2A (RNA polymerase II subunit A; plus strand). Cytogenetic location: 17p13.1.
Variant type: single nucleotide variant.
Coding change: c.5590A>G on transcript NM_000937.5 (MANE Select); coding-DNA position 5590, A replaced by G.
Protein change: p.Ser1864Gly; replaces serine 1864 with glycine.
Molecular consequence: missense variant.
Genome position (GRCh38, 1-based): chr17:7,513,856, A>G. VCF-style: chr17-7513856-A-G. GRCh37 (hg19) VCF-style: chr17-7417173-A-G.
Other names: short protein forms S1864G.
Identifiers: ClinVar variation 4795330 (VCV004795330.1).